The following is an entry in ClinVar:

ClinVar aggregate classification (germline): Uncertain significance. Review status: criteria provided, multiple submitters, no conflicts (2 of 4 stars). 2 submissions from 2 submitters: Uncertain significance (2). Last evaluated 2021-09-01.

Conditions:
Developmental and epileptic encephalopathy, 12 (DEE12). Identifiers: MedGen C3150988, MONDO:0013389, OMIM 613722.

gnomAD v4.1: 19 of 1,605,044 alleles (0.0012%); highest among the groups gnomAD compares: Non-Finnish European, 0.0014%; no homozygotes.

Submissions (2):

Labcorp Genetics (formerly Invitae), Labcorp
Classification: Uncertain significance for Developmental and epileptic encephalopathy, 12. Last evaluated: 2021-09-01. Review status: criteria provided, single submitter. Criteria: Invitae Variant Classification Sherloc (09022015). Collection method: clinical testing. Allele origin: germline.
Comment: This sequence change replaces arginine with glutamine at codon 222 of the PLCB1 protein (p.Arg222Gln). The arginine residue is highly conserved and there is a small physicochemical difference between arginine and glutamine. This variant is not present in population databases (ExAC no frequency). This variant has not been reported in the literature in individuals affected with PLCB1-related conditions. Algorithms developed to predict the effect of missense changes on protein structure and function (SIFT, PolyPhen-2, Align-GVGD) all suggest that this variant is likely to be disruptive. In summary, the available evidence is currently insufficient to determine the role of this variant in disease. Therefore, it has been classified as a Variant of Uncertain Significance.

Baylor Genetics
Classification: Uncertain significance for Developmental and epileptic encephalopathy, 12. Last evaluated: 2018-12-28. Review status: criteria provided, single submitter. Criteria: ACMG Guidelines, 2015. Collection method: clinical testing. Allele origin: maternal. Affected: yes.
Comment: This variant was determined to be of uncertain significance according to ACMG Guidelines, 2015 [PMID:25741868].

NM_015192.4(PLCB1):c.665G>A (p.Arg222Gln)

Gene: PLCB1 (phospholipase C beta 1; plus strand). Cytogenetic location: 20p12.3.
Variant type: single nucleotide variant.
Coding change: c.665G>A on transcript NM_015192.4 (MANE Select); coding-DNA position 665, G replaced by A.
Protein change: p.Arg222Gln; replaces arginine 222 with glutamine.
Molecular consequence: missense variant.
Genome position (GRCh38, 1-based): chr20:8,657,254, G>A. VCF-style: chr20-8657254-G-A. GRCh37 (hg19) VCF-style: chr20-8637901-G-A.
Other names: c.665G>A, p.Arg222Gln (NM_182734.3); short protein forms R222Q.
Identifiers: ClinVar variation 1031881 (VCV001031881.7), dbSNP rs755135706, ClinGen allele CA408263950.